The following is an entry in ClinVar:

ClinVar aggregate classification (germline): Uncertain significance (1 of 4 stars; one submission).

Conditions:
Spermatogenic failure 18. Identifiers: MedGen C4539783, MONDO:0054615, OMIM 617576.
Ciliary dyskinesia, primary, 37 (CILD37). Also called: CILIARY DYSKINESIA, PRIMARY, 37, WITH OR WITHOUT SITUS INVERSUS. Identifiers: MedGen C4539798, MONDO:0033204, OMIM 617577.

Submission:

Labcorp Genetics (formerly Invitae), Labcorp
Classification: Uncertain significance for Ciliary dyskinesia, primary, 37; Spermatogenic failure 18. Last evaluated: 2020-02-18. Review status: criteria provided, single submitter. Criteria: Invitae Variant Classification Sherloc (09022015). Collection method: clinical testing. Allele origin: germline.
Comment: This variant results in a copy number gain of the genomic region encompassing exons 2-8 of the DNAH1 gene, which includes the initiator codon. The 5' end of this event is unknown as it extends beyond the assayed region for this gene and therefore may encompass additional genes. The 3' boundary is likely confined to intron 8 of the DNAH1 gene. As the precise location of this event is unknown, it may be in tandem or it may be located elsewhere in the genome. This variant has not been reported in the literature in individuals with DNAH1-related conditions. Experimental studies and prediction algorithms are not available or were not evaluated, and the functional significance of this variant is currently unknown. In summary, the available evidence is currently insufficient to determine the role of this variant in disease. Therefore, it has been classified as a Variant of Uncertain Significance.

NC_000003.11:g.(?_52356439)_(52366430_?)dup

Gene: DNAH1 (dynein axonemal heavy chain 1; plus strand). Cytogenetic location: 3p21.1.
Variant type: Duplication.
Identifiers: ClinVar variation 1040980 (VCV001040980.5).